The following is an entry in ClinVar:

NM_002474.3(MYH11):c.5684G>A (p.Arg1895His)

Genes: NDE1 (nudE neurodevelopment protein 1; plus strand), MYH11 (myosin heavy chain 11; minus strand). Cytogenetic location: 16p13.11.
Variant type: single nucleotide variant.
Coding change: c.5684G>A on transcript NM_002474.3 (MANE Select); coding-DNA position 5684, G replaced by A.
Protein change: p.Arg1895His; replaces arginine 1895 with histidine.
Molecular consequence: missense variant. On other transcripts: intron variant (2).
Genome position (GRCh38, 1-based): chr16:15,715,011, C>T on the plus strand (G>A on the coding strand, the complement: MYH11 is on the minus strand). VCF-style: chr16-15715011-C-T. GRCh37 (hg19) VCF-style: chr16-15808868-C-T.
Other names: c.5705G>A, p.Arg1902His (NM_001040113.2, NM_001040114.2); c.5684G>A, p.Arg1895His (NM_022844.3); c.948-9180C>T (NM_001143979.2, NM_017668.3); short protein forms R1895H, R1902H.
Identifiers: ClinVar variation 519935 (VCV000519935.11), dbSNP rs375148396, ClinGen allele CA7921165.

ClinVar aggregate classification (germline): Uncertain significance. Review status: criteria provided, multiple submitters, no conflicts (2 of 4 stars). 4 submissions from 4 submitters: Uncertain significance (4). Last evaluated 2025-06-02.

Conditions:
Familial thoracic aortic aneurysm and aortic dissection (TAAD). Also called: Thoracic aortic aneurysms and dissections. Identifiers: Orphanet 91387, MedGen C4707243, MONDO:0019625.
Aortic aneurysm, familial thoracic 4 (AAT4). Also called: AORTIC ANEURYSM/AORTIC DISSECTION AND PATENT DUCTUS ARTERIOSUS. Identifiers: MedGen C1851504, MONDO:0007568, OMIM 132900.
Visceral myopathy 2. Identifiers: MedGen C5543466, MONDO:0859157, OMIM 619350.
Megacystis-microcolon-intestinal hypoperistalsis syndrome 2. Identifiers: MedGen C5543476, MONDO:0025708, OMIM 619351.

Allele frequency attached by ClinVar (database versions not stated): ExAC 0.00001; gnomAD exomes 0.00001; TOPMed 0.00001; ESP Exome Variant Server 0.00008.
gnomAD v4.1: 13 of 1,613,918 alleles (0.00081%); highest among the groups gnomAD compares: Admixed American, 0.0017%; no homozygotes.

Submissions (4):

Color Diagnostics, LLC DBA Color Health
Classification: Uncertain significance for Familial thoracic aortic aneurysm and aortic dissection. Last evaluated: 2025-06-02. Review status: criteria provided, single submitter. Criteria: ACMG Guidelines, 2015. Collection method: clinical testing. Allele origin: germline.
Comment: This missense variant replaces arginine with histidine at codon 1902 of the MYH11 protein. Computational prediction tool is inconclusive regarding the impact of this variant on protein structure and function. To our knowledge, functional studies have not been reported for this variant. This variant has not been reported in individuals affected with MYH11-related disorders in the literature. This variant has been identified in 2/251252 chromosomes in the general population by the Genome Aggregation Database (gnomAD). The available evidence is insufficient to determine the role of this variant in disease conclusively. Therefore, this variant is classified as a Variant of Uncertain Significance.

All of Us Research Program, National Institutes of Health
Classification: Uncertain significance for Familial thoracic aortic aneurysm and aortic dissection. Last evaluated: 2023-08-14. Review status: criteria provided, single submitter. Criteria: ACMG Guidelines, 2015. Collection method: clinical testing. Allele origin: germline. Inheritance: Autosomal dominant inheritance. Observed: 1 variant allele, 1 heterozygote.
Comment: This missense variant replaces arginine with histidine at codon 1902 of the MYH11 protein. Computational prediction is inconclusive regarding the impact of this variant on protein structure and function (internally defined REVEL score threshold 0.5 < inconclusive < 0.7, PMID: 27666373). To our knowledge, functional studies have not been reported for this variant. This variant has not been reported in individuals affected with cardiovascular disorders in the literature. This variant has been identified in 2/251252 chromosomes in the general population by the Genome Aggregation Database (gnomAD). The available evidence is insufficient to determine the role of this variant in disease conclusively. Therefore, this variant is classified as a Variant of Uncertain Significance.

This study involves interpretation of variants in research participants for the purpose of population health screening. Participant phenotype was not available at the time of variant classification. Additional details can be found in publication PMID: 35346344, PMCID: PMC8962531

Fulgent Genetics
Classification: Uncertain significance for Aortic aneurysm, familial thoracic 4; Visceral myopathy 2; Megacystis-microcolon-intestinal hypoperistalsis syndrome 2. Last evaluated: 2021-08-15. Review status: criteria provided, single submitter. Criteria: ACMG Guidelines, 2015. Collection method: clinical testing. Allele origin: unknown.

Ambry Genetics
Classification: Uncertain significance for Familial thoracic aortic aneurysm and aortic dissection. Last evaluated: 2016-05-06. Review status: criteria provided, single submitter. Criteria: Ambry Variant Classification Scheme 2023. Collection method: clinical testing. Allele origin: germline.
Comment: The p.R1895H variant (also known as c.5684G>A), located in coding exon 39 of the MYH11 gene, results from a G to A substitution at nucleotide position 5684. The arginine at codon 1895 is replaced by histidine, an amino acid with highly similar properties. This variant was previously reported in the SNPDatabase as rs375148396. Based on data from ExAC (Exome Aggregation Consortium, Cambridge, MA (URL) [accessed 4/28/16]), the A allele has an overall frequency of approximately 0.0008% (1/121212). Based on data from the NHLBI Exome Sequencing Project (ESP), the A allele has an overall frequency of approximately 0.01% (1/12994) total alleles studied, having been observed in 0.02% (1/4394) African American alleles. This amino acid position is highly conserved in available vertebrate species. In addition, the in silico prediction for this alteration is inconclusive. Since supporting evidence is limited at this time, the clinical significance of this alteration remains unclear.